The following is an entry in ClinVar:

NM_033109.5(PNPT1):c.740T>A (p.Val247Glu)

Gene: PNPT1 (polyribonucleotide nucleotidyltransferase 1; minus strand). Cytogenetic location: 2p16.1.
Variant type: single nucleotide variant.
Coding change: c.740T>A on transcript NM_033109.5 (MANE Select); coding-DNA position 740, T replaced by A.
Protein change: p.Val247Glu; replaces valine 247 with glutamic acid.
Molecular consequence: missense variant.
Genome position (GRCh38, 1-based): chr2:55,673,019, A>T on the plus strand (T>A on the coding strand, the complement: PNPT1 is on the minus strand). VCF-style: chr2-55673019-A-T. GRCh37 (hg19) VCF-style: chr2-55900154-A-T.
Other names: short protein forms V247E.
Identifiers: ClinVar variation 1362775 (VCV001362775.8), dbSNP rs761790478, ClinGen allele CA346934511.

ClinVar aggregate classification (germline): Uncertain significance (1 of 4 stars; one submission).

Allele frequency attached by ClinVar (database versions not stated): TOPMed below 0.00001.

Submission:

Labcorp Genetics (formerly Invitae), Labcorp
Classification: Uncertain significance. Last evaluated: 2021-06-24. Review status: criteria provided, single submitter. Criteria: Invitae Variant Classification Sherloc (09022015). Collection method: clinical testing. Allele origin: germline.
Comment: This variant is not present in population databases (ExAC no frequency). In summary, the available evidence is currently insufficient to determine the role of this variant in disease. Therefore, it has been classified as a Variant of Uncertain Significance. Algorithms developed to predict the effect of missense changes on protein structure and function are either unavailable or do not agree on the potential impact of this missense change (SIFT: "Deleterious"; PolyPhen-2: "Benign"; Align-GVGD: "Class C0"). This variant has not been reported in the literature in individuals with PNPT1-related conditions. This sequence change replaces valine with glutamic acid at codon 247 of the PNPT1 protein (p.Val247Glu). The valine residue is highly conserved and there is a moderate physicochemical difference between valine and glutamic acid.